The following is an entry in ClinVar:

NM_006662.3(SRCAP):c.5234C>T (p.Thr1745Met)

Gene: SRCAP (Snf2 related CREBBP activator protein; plus strand). Cytogenetic location: 16p11.2.
Variant type: single nucleotide variant.
Coding change: c.5234C>T on transcript NM_006662.3 (MANE Select); coding-DNA position 5234, C replaced by T.
Protein change: p.Thr1745Met; replaces threonine 1745 with methionine.
Molecular consequence: missense variant.
Genome position (GRCh38, 1-based): chr16:30,724,658, C>T. VCF-style: chr16-30724658-C-T. GRCh37 (hg19) VCF-style: chr16-30735979-C-T.
Other names: short protein forms T1745M.
Identifiers: ClinVar variation 2632092 (VCV002632092.3), dbSNP rs772506621, ClinGen allele CA8011922.

ClinVar aggregate classification (germline): Uncertain significance. Review status: criteria provided, multiple submitters, no conflicts (2 of 4 stars). 2 submissions from 2 submitters: Uncertain significance (2). Last evaluated 2024-11-20.

Conditions:
SRCAP-related disorder. Also called: SRCAP-related condition.

Allele frequency attached by ClinVar (database versions not stated): ExAC 0.00002; gnomAD 0.00002; gnomAD exomes 0.00002; TOPMed 0.00003.
gnomAD v4.1: 31 of 1,614,076 alleles (0.0019%); highest among the groups gnomAD compares: Admixed American, 0.0033%; no homozygotes.

Submissions (2):

Labcorp Genetics (formerly Invitae), Labcorp
Classification: Uncertain significance. Last evaluated: 2024-11-20. Review status: criteria provided, single submitter. Criteria: Invitae Variant Classification Sherloc (09022015). Collection method: clinical testing. Allele origin: germline.
Comment: This sequence change replaces threonine, which is neutral and polar, with methionine, which is neutral and non-polar, at codon 1745 of the SRCAP protein (p.Thr1745Met). This variant is present in population databases (rs772506621, gnomAD 0.02%). This variant has not been reported in the literature in individuals affected with SRCAP-related conditions. ClinVar contains an entry for this variant (Variation ID: 2632092). Invitae Evidence Modeling of protein sequence and biophysical properties (such as structural, functional, and spatial information, amino acid conservation, physicochemical variation, residue mobility, and thermodynamic stability) indicates that this missense variant is not expected to disrupt SRCAP protein function with a negative predictive value of 80%. In summary, the available evidence is currently insufficient to determine the role of this variant in disease. Therefore, it has been classified as a Variant of Uncertain Significance.

PreventionGenetics, part of Exact Sciences
Classification: Uncertain significance for SRCAP-related condition. Last evaluated: 2023-03-01. Review status: criteria provided, single submitter. Criteria: ACMG Guidelines, 2015. Collection method: clinical testing. Allele origin: germline.
Comment: The SRCAP c.5234C>T variant is predicted to result in the amino acid substitution p.Thr1745Met. To our knowledge, this variant has not been reported in the literature. This variant is reported in 0.014% of alleles in individuals of European (Finnish) descent in gnomAD. Although we suspect that this variant may be benign, at this time, the clinical significance of this variant is uncertain due to the absence of conclusive functional and genetic evidence.